The following is an entry in ClinVar:

NM_000179.3(MSH6):c.458-13C>T

Gene: MSH6 (mutS homolog 6; plus strand). Cytogenetic location: 2p16.3.
Variant type: single nucleotide variant.
Coding change: c.458-13C>T on transcript NM_000179.3 (MANE Select); 13 bases into the intron before coding-DNA position 458, C replaced by T.
Molecular consequence: intron variant.
Genome position (GRCh38, 1-based): chr2:47,795,881, C>T. VCF-style: chr2-47795881-C-T. GRCh37 (hg19) VCF-style: chr2-48023020-C-T.
Other names: c.-279-2730C>T (NM_001281493.2); c.238-2730C>T (NM_001281492.2); c.-445-13C>T (NM_001281494.2).
Identifiers: ClinVar variation 1171712 (VCV001171712.3), dbSNP rs1057522695, ClinGen allele CA2499216085.

ClinVar aggregate classification (germline): Likely benign. Review status: criteria provided, multiple submitters, no conflicts (2 of 4 stars). 2 submissions from 2 submitters: Likely benign (2). Last evaluated 2024-12-18.

Conditions:
Hereditary cancer-predisposing syndrome. Also called: Tumor predisposition; Hereditary neoplastic syndrome; Hereditary Cancer Syndrome; Neoplastic Syndromes, Hereditary. Identifiers: Orphanet 140162, MedGen C0027672, MeSH D009386, MONDO:0015356.
Lynch syndrome 5 (LYNCH5). Also called: Hereditary non-polyposis colorectal cancer, type 5; Colorectal cancer, hereditary nonpolyposis, type 5. Identifiers: Orphanet 144, MedGen C1833477, MONDO:0013710, OMIM 614350. Disease mechanism: loss of function.

gnomAD v4.1: 1 of 1,611,986 alleles (0.000062%); highest among the groups gnomAD compares: Non-Finnish European, 0.000085%; no homozygotes.

Submissions (2):

Myriad Genetics, Inc.
Classification: Likely benign for Lynch syndrome 5. Last evaluated: 2024-12-18. Review status: criteria provided, single submitter. Criteria: Myriad Autosomal Dominant, Autosomal Recessive and X-Linked Classification Criteria (2023). Collection method: clinical testing. Allele origin: unknown.
Comment: This variant is considered likely benign. This variant is intronic and is not expected to impact mRNA splicing.

Color Diagnostics, LLC DBA Color Health
Classification: Likely benign for Hereditary cancer-predisposing syndrome. Last evaluated: 2021-02-13. Review status: criteria provided, single submitter. Criteria: ACMG Guidelines, 2015. Collection method: clinical testing. Allele origin: germline.